The following is an entry in ClinVar:

ClinVar aggregate classification (germline): Uncertain significance (1 of 4 stars; one submission).

Conditions:
Long QT syndrome 10 (LQT10). Identifiers: Orphanet 101016, Orphanet 768, MedGen C2678484, MONDO:0012737, OMIM 611819.

Submission:

Labcorp Genetics (formerly Invitae), Labcorp
Classification: Uncertain significance for Long QT syndrome 10. Last evaluated: 2022-09-12. Review status: criteria provided, single submitter. Criteria: Invitae Variant Classification Sherloc (09022015). Collection method: clinical testing. Allele origin: germline.
Comment: This variant is not present in population databases (gnomAD no frequency). In summary, the available evidence is currently insufficient to determine the role of this variant in disease. Therefore, it has been classified as a Variant of Uncertain Significance. Algorithms developed to predict the effect of missense changes on protein structure and function (SIFT, PolyPhen-2, Align-GVGD) all suggest that this variant is likely to be tolerated. ClinVar contains an entry for this variant (Variation ID: 945872). This variant has not been reported in the literature in individuals affected with SCN4B-related conditions. This sequence change replaces aspartic acid, which is acidic and polar, with glycine, which is neutral and non-polar, at codon 120 of the SCN4B protein (p.Asp120Gly).

NM_174934.4(SCN4B):c.359A>G (p.Asp120Gly)

Genes: SCN4B (sodium voltage-gated channel beta subunit 4; minus strand), LOC126861356 (BRD4-independent group 4 enhancer GRCh37_chr11:118014519-118015718; plus strand). Cytogenetic location: 11q23.3.
Variant type: single nucleotide variant.
Coding change: c.359A>G on transcript NM_174934.4 (MANE Select); coding-DNA position 359, A replaced by G.
Protein change: p.Asp120Gly; replaces aspartic acid 120 with glycine.
Molecular consequence: missense variant. On other transcripts: intron variant (1).
Genome position (GRCh38, 1-based): chr11:118,143,937, T>C on the plus strand (A>G on the coding strand, the complement: SCN4B is on the minus strand). VCF-style: chr11-118143937-T-C. GRCh37 (hg19) VCF-style: chr11-118014652-T-C.
Other names: c.29A>G, p.Asp10Gly (NM_001142349.2); c.62-2601A>G (NM_001142348.2); short protein forms D120G, D10G.
Identifiers: ClinVar variation 945872 (VCV000945872.10), dbSNP rs1948133901, ClinGen allele CA382778162.